The following is an entry in ClinVar:

ClinVar aggregate classification (germline): Uncertain significance (1 of 4 stars; one submission).

Conditions:
MOGS-congenital disorder of glycosylation. Also called: CDG IIb; GLUCOSIDASE I DEFICIENCY; MOGS-CDG; CDG 2B. Identifiers: Orphanet 79330, MedGen C1853736, MONDO:0011629, OMIM 606056.

Allele frequency attached by ClinVar (database versions not stated): ExAC 0.00001; gnomAD 0.00001; 1000 Genomes Project 0.00020; 1000 Genomes Project 30x 0.00031.
gnomAD v4.1: 1 of 1,614,114 alleles (0.000062%); highest among the groups gnomAD compares: African/African-American, 0.0013%; no homozygotes.

Submission:

Labcorp Genetics (formerly Invitae), Labcorp
Classification: Uncertain significance for Congenital disorder of glycosylation type 2B. Last evaluated: 2019-02-12. Review status: criteria provided, single submitter. Criteria: Invitae Variant Classification Sherloc (09022015). Collection method: clinical testing. Allele origin: germline.
Comment: This sequence change replaces histidine with glutamine at codon 521 of the MOGS protein (p.His521Gln). The histidine residue is moderately conserved and there is a small physicochemical difference between histidine and glutamine. The frequency data for this variant in the population databases is considered unreliable, as metrics indicate poor data quality at this position in the ExAC database. This variant has not been reported in the literature in individuals with MOGS-related conditions. Algorithms developed to predict the effect of missense changes on protein structure and function (SIFT, PolyPhen-2, Align-GVGD) all suggest that this variant is likely to be tolerated, but these predictions have not been confirmed by published functional studies and their clinical significance is uncertain. In summary, the available evidence is currently insufficient to determine the role of this variant in disease. Therefore, it has been classified as a Variant of Uncertain Significance.

NM_006302.3(MOGS):c.1563T>A (p.His521Gln)

Gene: MOGS (mannosyl-oligosaccharide glucosidase; minus strand). Cytogenetic location: 2p13.1.
Variant type: single nucleotide variant.
Coding change: c.1563T>A on transcript NM_006302.3 (MANE Select); coding-DNA position 1563, T replaced by A.
Protein change: p.His521Gln; replaces histidine 521 with glutamine.
Molecular consequence: missense variant.
Genome position (GRCh38, 1-based): chr2:74,462,226, A>T on the plus strand (T>A on the coding strand, the complement: MOGS is on the minus strand). VCF-style: chr2-74462226-A-T. GRCh37 (hg19) VCF-style: chr2-74689353-A-T.
Other names: c.1245T>A, p.His415Gln (NM_001146158.2); short protein forms H521Q, H415Q.
Identifiers: ClinVar variation 856928 (VCV000856928.1), dbSNP rs559593629, ClinGen allele CA1724762.
Genomic context (GRCh38, chr2:74,462,226, plus strand): 5'-CAGGCGGGGCAAGGCCTTTCGGAGGAAAGCCAAGTCGTCAGGGTCACCAACCTCTAGCAT[A>T]TGGGCTACAGGCAAAAGTAGGGTTGGGGGGTTGGCGTGGACTGCTCGTTGTACTAGGAAT-3'
Protein context (NP_006293.2, residues 511-531): NPPTLLLPVA[His521Gln]MLEVGDPDDL